The following is an entry in ClinVar:

NM_000540.3(RYR1):c.3946C>T (p.Pro1316Ser)

Gene: RYR1 (ryanodine receptor 1; plus strand). Cytogenetic location: 19q13.2.
Variant type: single nucleotide variant.
Coding change: c.3946C>T on transcript NM_000540.3 (MANE Select); coding-DNA position 3946, C replaced by T.
Protein change: p.Pro1316Ser; replaces proline 1316 with serine.
Molecular consequence: missense variant.
Genome position (GRCh38, 1-based): chr19:38,473,557, C>T. VCF-style: chr19-38473557-C-T. GRCh37 (hg19) VCF-style: chr19-38964197-C-T.
Other names: c.3946C>T, p.Pro1316Ser (NM_001042723.2); short protein forms P1316S.
Identifiers: ClinVar variation 649360 (VCV000649360.9), dbSNP rs200894780, ClinGen allele CA405642264.
Genomic context (GRCh38, chr19:38,473,557, plus strand): 5'-TTCCACCAGCACTTCCGCTGCACTGCAGGGGCCACCCCGCTGGCACCTCCTGGCCTGCAG[C>T]CCCCCGCCGAGGACGAGGCCCGGGCGGCGGAACCCGACCCTGACTACGAAAACCTGCGCC-3'
Protein context (NP_000531.2, residues 1306-1326): ATPLAPPGLQ[Pro1316Ser]PAEDEARAAE

ClinVar aggregate classification (germline): Uncertain significance. Review status: criteria provided, multiple submitters, no conflicts (2 of 4 stars). 2 submissions from 2 submitters: Uncertain significance (2). Last evaluated 2024-10-21.

Conditions:
Congenital multicore myopathy with external ophthalmoplegia (CMYO1B). Also called: Minicore myopathy with external ophthalmoplegia; MULTIMINICORE DISEASE WITH EXTERNAL OPHTHALMOPLEGIA; Congenital myopathy 1B, autosomal recessive; Minicore myopathy; MULTICORE MYOPATHY. Identifiers: Orphanet 598, Orphanet 98905, MedGen C1850674, MONDO:0009712, OMIM 255320, HP:0003789.
Congenital myopathy with fiber type disproportion. Also called: Congenital fiber-type disproportion myopathy; Congenital fiber-type disproportion. Identifiers: Orphanet 2020, MedGen C0546264, MONDO:0009711. Inheritance: all.
Malignant hyperthermia, susceptibility to, 1 (MHS1). Also called: RYR1-Related Malignant Hyperthermia Susceptibility; Anesthesia related hyperthermia; Malignant hyperpyrexia; Fulminating hyperpyrexia; Pharmacogenic myopathy; Malignant hyperthermia suceptibility 1. Identifiers: Orphanet 423, MedGen C2930980, MONDO:0007783, OMIM 145600.
Central core myopathy (CMYO1A). Also called: Central core disease; Myopathy, central fibrillar; CONGENITAL MYOPATHY 1A, AUTOSOMAL DOMINANT, WITH SUSCEPTIBILITY TO MALIGNANT HYPERTHERMIA. Identifiers: Orphanet 597, MedGen C5830701, MONDO:0007294, OMIM 117000.
King Denborough syndrome (KDS). Identifiers: MedGen C1840365, MONDO:0020485, OMIM 619542.
RYR1-related disorder. Also called: RYR1-related condition; RYR1-related disorders. Identifiers: MedGen CN239331.

gnomAD v4.1: 5 of 1,599,402 alleles (0.00031%); highest among the groups gnomAD compares: South Asian, 0.0011%; no homozygotes.

Submissions (2):

Labcorp Genetics (formerly Invitae), Labcorp
Classification: Uncertain significance for RYR1-related disorder. Last evaluated: 2024-10-21. Review status: criteria provided, single submitter. Criteria: Invitae Variant Classification Sherloc (09022015). Collection method: clinical testing. Allele origin: germline.
Comment: This sequence change replaces proline, which is neutral and non-polar, with serine, which is neutral and polar, at codon 1316 of the RYR1 protein (p.Pro1316Ser). The frequency data for this variant in the population databases is considered unreliable, as metrics indicate poor data quality at this position in the gnomAD database. This variant has not been reported in the literature in individuals affected with RYR1-related conditions. ClinVar contains an entry for this variant (Variation ID: 649360). Invitae Evidence Modeling of protein sequence and biophysical properties (such as structural, functional, and spatial information, amino acid conservation, physicochemical variation, residue mobility, and thermodynamic stability) indicates that this missense variant is not expected to disrupt RYR1 protein function with a negative predictive value of 95%. In summary, the available evidence is currently insufficient to determine the role of this variant in disease. Therefore, it has been classified as a Variant of Uncertain Significance.

Fulgent Genetics
Classification: Uncertain significance for Central core myopathy; Malignant hyperthermia, susceptibility to, 1; Congenital myopathy 4A, autosomal dominant; Congenital multicore myopathy with external ophthalmoplegia; King Denborough syndrome. Last evaluated: 2021-08-31. Review status: criteria provided, single submitter. Criteria: ACMG Guidelines, 2015. Collection method: clinical testing. Allele origin: unknown.